The following is an entry in ClinVar:

ClinVar aggregate classification (germline): Pathogenic (1 of 4 stars; one submission).

Submission:

CeGaT Center for Human Genetics Tuebingen
Classification: Pathogenic. Last evaluated: 2024-02-01. Review status: criteria provided, single submitter. Criteria: CeGaT Center For Human Genetics Tuebingen Variant Classification Criteria Version 2. Collection method: clinical testing. Allele origin: germline. Affected: yes. Observed: 1 variant allele.
Comment: LAMA2: PVS1, PM2, PM3:Supporting

NM_000426.4(LAMA2):c.2918_2936del (p.Gly973fs)

Gene: LAMA2 (laminin subunit alpha 2; plus strand). Cytogenetic location: 6q22.33.
Variant type: Deletion.
Coding change: c.2918_2936del on transcript NM_000426.4 (MANE Select); coding-DNA positions 2918 to 2936, 19 bases deleted (GGTCTAAGTCATTCGACTG).
Protein change: p.Gly973fs; shifts the reading frame from glycine 973.
Molecular consequence: frameshift variant.
Genome position (GRCh38, 1-based): chr6:129,297,746-129,297,764, GGTCTAAGTCATTCGACTG deleted; deleting any 19 consecutive bases within chr6:129,297,744-129,297,764 gives the same sequence; the c. name uses the placement nearest the transcript's 3' end. VCF-style (leftmost placement, unchanged base first): chr6-129297743-TTGGGTCTAAGTCATTCGAC-T. GRCh37 (hg19) VCF-style: chr6-129618888-TTGGGTCTAAGTCATTCGAC-T.
Other names: c.2918_2936del, p.Gly973fs (NM_001079823.2); short protein forms G973fs.
Identifiers: ClinVar variation 3027217 (VCV003027217.22), dbSNP rs2482335118, ClinGen allele CA2740091475.